The following is an entry in ClinVar:

ClinVar aggregate classification (germline): Uncertain significance. Review status: criteria provided, multiple submitters, no conflicts (2 of 4 stars). 4 submissions from 3 submitters: Uncertain significance (4). Last evaluated 2024-06-04.

Conditions:
LAMB2-related infantile-onset nephrotic syndrome. Also called: NEPHROTIC SYNDROME, TYPE 5, WITHOUT OCULAR ABNORMALITIES; NEPHROTIC SYNDROME, TYPE 5, WITH OCULAR ABNORMALITIES; Nephrotic Syndrome, type 5. Identifiers: Orphanet 306507, MedGen C3280113, MONDO:0013621, OMIM 614199.
Pierson syndrome. Also called: MICROCORIA-CONGENITAL NEPHROTIC SYNDROME. Identifiers: Orphanet 2670, MedGen C1836876, MONDO:0012184, OMIM 609049.

Allele frequency attached by ClinVar (database versions not stated): gnomAD 0.00001 and 0.00002; TOPMed 0.00001; ExAC 0.00004; gnomAD exomes 0.00004.
gnomAD v4.1: 218 of 1,613,310 alleles (0.014%); highest among the groups gnomAD compares: East Asian, 0.48%; no homozygotes.

Submissions (4):

Fulgent Genetics
Classification: Uncertain significance for Pierson syndrome; LAMB2-related infantile-onset nephrotic syndrome. Last evaluated: 2024-06-04. Review status: criteria provided, single submitter. Criteria: ACMG Guidelines, 2015. Collection method: clinical testing. Allele origin: germline.

Labcorp Genetics (formerly Invitae), Labcorp
Classification: Uncertain significance for LAMB2-related infantile-onset nephrotic syndrome; Pierson syndrome. Last evaluated: 2022-08-22. Review status: criteria provided, single submitter. Criteria: Invitae Variant Classification Sherloc (09022015). Collection method: clinical testing. Allele origin: germline.
Comment: This sequence change replaces glycine, which is neutral and non-polar, with arginine, which is basic and polar, at codon 1222 of the LAMB2 protein (p.Gly1222Arg). This variant is present in population databases (rs748563846, gnomAD 0.06%). This variant has not been reported in the literature in individuals affected with LAMB2-related conditions. ClinVar contains an entry for this variant (Variation ID: 345984). Algorithms developed to predict the effect of missense changes on protein structure and function (SIFT, PolyPhen-2, Align-GVGD) all suggest that this variant is likely to be disruptive. Algorithms developed to predict the effect of sequence changes on RNA splicing suggest that this variant may disrupt the consensus splice site. In summary, the available evidence is currently insufficient to determine the role of this variant in disease. Therefore, it has been classified as a Variant of Uncertain Significance.

Illumina Laboratory Services, Illumina
Classification: Uncertain significance for LAMB2-related infantile-onset nephrotic syndrome. Last evaluated: 2018-01-12. Review status: criteria provided, single submitter. Criteria: ICSL Variant Classification Criteria 13 December 2019. Collection method: clinical testing. Allele origin: germline.

Illumina Laboratory Services, Illumina
Classification: Uncertain significance for Pierson syndrome. Last evaluated: 2018-01-12. Review status: criteria provided, single submitter. Criteria: ICSL Variant Classification Criteria 13 December 2019. Collection method: clinical testing. Allele origin: germline.

NM_002292.4(LAMB2):c.3664G>C (p.Gly1222Arg)

Gene: LAMB2 (laminin subunit beta 2; minus strand). Cytogenetic location: 3p21.31.
Variant type: single nucleotide variant.
Coding change: c.3664G>C on transcript NM_002292.4 (MANE Select); coding-DNA position 3664, G replaced by C.
Protein change: p.Gly1222Arg; replaces glycine 1222 with arginine.
Molecular consequence: missense variant.
Genome position (GRCh38, 1-based): chr3:49,123,861, C>G on the plus strand (G>C on the coding strand, the complement: LAMB2 is on the minus strand). VCF-style: chr3-49123861-C-G. GRCh37 (hg19) VCF-style: chr3-49161294-C-G.
Other names: short protein forms G1222R.
Identifiers: ClinVar variation 345984 (VCV000345984.7), dbSNP rs748563846, ClinGen allele CA2393987.